The following is an entry in ClinVar:

NM_005045.4(RELN):c.1813C>T (p.His605Tyr)

Gene: RELN (reelin; minus strand). Cytogenetic location: 7q22.1.
Variant type: single nucleotide variant.
Coding change: c.1813C>T on transcript NM_005045.4 (MANE Select); coding-DNA position 1813, C replaced by T.
Protein change: p.His605Tyr; replaces histidine 605 with tyrosine.
Molecular consequence: missense variant.
Genome position (GRCh38, 1-based): chr7:103,651,740, G>A on the plus strand (C>T on the coding strand, the complement: RELN is on the minus strand). VCF-style: chr7-103651740-G-A. GRCh37 (hg19) VCF-style: chr7-103292187-G-A.
Other names: c.1813C>T, p.His605Tyr (NM_173054.3); short protein forms H605Y.
Identifiers: ClinVar variation 3761864 (VCV003761864.2).

ClinVar aggregate classification (germline): Uncertain significance (1 of 4 stars; one submission).

Conditions:
Norman-Roberts syndrome (LIS2). Also called: Lissencephaly 2 (Norman-Roberts type). Identifiers: Orphanet 89844, MedGen C0796089, MONDO:0009760, OMIM 257320.
Familial temporal lobe epilepsy 7. Identifiers: Orphanet 101046, MedGen C4225327, MONDO:0014639, OMIM 616436.

gnomAD v4.1: 3 of 1,611,832 alleles (0.00019%); highest among the groups gnomAD compares: Middle Eastern, 0.016%; no homozygotes.

Submission:

Labcorp Genetics (formerly Invitae), Labcorp
Classification: Uncertain significance for Familial temporal lobe epilepsy 7; Norman-Roberts syndrome. Last evaluated: 2024-11-16. Review status: criteria provided, single submitter. Criteria: Invitae Variant Classification Sherloc (09022015). Collection method: clinical testing. Allele origin: germline.
Comment: This sequence change replaces histidine, which is basic and polar, with tyrosine, which is neutral and polar, at codon 605 of the RELN protein (p.His605Tyr). This variant is present in population databases (rs762608682, gnomAD 0.0009%). This variant has not been reported in the literature in individuals affected with RELN-related conditions. Invitae Evidence Modeling of protein sequence and biophysical properties (such as structural, functional, and spatial information, amino acid conservation, physicochemical variation, residue mobility, and thermodynamic stability) indicates that this missense variant is not expected to disrupt RELN protein function with a negative predictive value of 80%. In summary, the available evidence is currently insufficient to determine the role of this variant in disease. Therefore, it has been classified as a Variant of Uncertain Significance.